The following is an entry in ClinVar:

NM_153766.3(KCNJ1):c.798C>A (p.Thr266=)

Gene: KCNJ1 (potassium inwardly rectifying channel subfamily J member 1; minus strand). Cytogenetic location: 11q24.3.
Variant type: single nucleotide variant.
Coding change: c.798C>A on transcript NM_153766.3 (MANE Select); coding-DNA position 798, C replaced by A.
Protein change: p.Thr266=; no amino-acid change (threonine 266 retained).
Molecular consequence: synonymous variant.
Genome position (GRCh38, 1-based): chr11:128,839,446, G>T on the plus strand (C>A on the coding strand, the complement: KCNJ1 is on the minus strand). VCF-style: chr11-128839446-G-T. GRCh37 (hg19) VCF-style: chr11-128709341-G-T.
Other names: c.855C>A, p.Thr285= (NM_000220.6); c.798C>A, p.Thr266= (NM_153764.3, NM_153767.4); c.849C>A, p.Thr283= (NM_153765.3).
Identifiers: ClinVar variation 735417 (VCV000735417.13), dbSNP rs139777470, ClinGen allele CA6357448.

ClinVar aggregate classification (germline): Conflicting classifications of pathogenicity. Review status: criteria provided, conflicting classifications (1 of 4 stars). 3 submissions from 3 submitters: Uncertain significance (1); Likely benign (2). Last evaluated 2026-01-28.

Conditions:
KCNJ1-related disorder. Also called: KCNJ1-related condition.
Bartter disease type 2. Also called: HYPERPROSTAGLANDIN E SYNDROME 2; Bartter syndrome, type 2, antenatal; HYPOKALEMIC ALKALOSIS WITH HYPERCALCIURIA 2, ANTENATAL. Identifiers: Orphanet 112, Orphanet 620220, MedGen C1855849, MONDO:0009424, OMIM 241200.

Allele frequency attached by ClinVar (database versions not stated): gnomAD 0.00029; 1000 Genomes Project 30x 0.00031; TOPMed 0.00031; 1000 Genomes Project 0.00040; ESP Exome Variant Server 0.00062.
gnomAD v4.1: 737 of 1,614,136 alleles (0.046%); highest among the groups gnomAD compares: Non-Finnish European, 0.057%; no homozygotes.

Submissions (3):

Labcorp Genetics (formerly Invitae), Labcorp
Classification: Likely benign. Last evaluated: 2026-01-28. Review status: criteria provided, single submitter. Criteria: Invitae Variant Classification Sherloc (09022015). Collection method: clinical testing. Allele origin: germline.

PreventionGenetics, part of Exact Sciences
Classification: Likely benign for KCNJ1-related condition. Last evaluated: 2024-11-20. Review status: criteria provided, single submitter. Criteria: ACMG Guidelines, 2015. Collection method: clinical testing. Allele origin: germline.
Comment: This variant is classified as likely benign based on ACMG/AMP sequence variant interpretation guidelines (Richards et al. 2015 PMID: 25741868, with internal and published modifications).

Illumina Laboratory Services, Illumina
Classification: Uncertain significance for Bartter disease type 2. Last evaluated: 2018-01-13. Review status: criteria provided, single submitter. Criteria: ICSL Variant Classification Criteria 13 December 2019. Collection method: clinical testing. Allele origin: germline.